The following is an entry in ClinVar:

NM_000255.4(MMUT):c.793C>T (p.His265Tyr)

Gene: MMUT (methylmalonyl-CoA mutase; minus strand). Cytogenetic location: 6p12.3.
Variant type: single nucleotide variant.
Coding change: c.793C>T on transcript NM_000255.4 (MANE Select); coding-DNA position 793, C replaced by T.
Protein change: p.His265Tyr; replaces histidine 265 with tyrosine.
Molecular consequence: missense variant.
Genome position (GRCh38, 1-based): chr6:49,456,198, G>A on the plus strand (C>T on the coding strand, the complement: MMUT is on the minus strand). VCF-style: chr6-49456198-G-A. GRCh37 (hg19) VCF-style: chr6-49423911-G-A.
Other names: short protein forms H265Y.
Identifiers: ClinVar variation 2734893 (VCV002734893.3), dbSNP rs2481343923, ClinGen allele CA364402501.
Genomic context (GRCh38, chr6:49,456,198, plus strand): 5'-ATCCATCTGCTAAAGTATAGGCCAGCTCCAGAATGGCATCAGCCCCTGCTTCCTGCATAT[G>A]GTATCCACTAATTGAAATTGAATTAAATTTTGGCATGTGCTACATAAAAAAAAAAATTGT-3'
Protein context (NP_000246.2, residues 255-275): KFNSISISGY[His265Tyr]MQEAGADAIL

ClinVar aggregate classification (germline): Likely pathogenic (1 of 4 stars; one submission).

Submission:

Labcorp Genetics (formerly Invitae), Labcorp
Classification: Likely pathogenic. Last evaluated: 2022-11-29. Review status: criteria provided, single submitter. Criteria: Invitae Variant Classification Sherloc (09022015). Collection method: clinical testing. Allele origin: germline.
Comment: In summary, the currently available evidence indicates that the variant is pathogenic, but additional data are needed to prove that conclusively. Therefore, this variant has been classified as Likely Pathogenic. Advanced modeling of protein sequence and biophysical properties (such as structural, functional, and spatial information, amino acid conservation, physicochemical variation, residue mobility, and thermodynamic stability) performed at Invitae indicates that this missense variant is expected to disrupt MUT protein function. This missense change has been observed in individual(s) with methylmalonic aciduria (PMID: 16281286). This variant is not present in population databases (gnomAD no frequency). This sequence change replaces histidine, which is basic and polar, with tyrosine, which is neutral and polar, at codon 265 of the MUT protein (p.His265Tyr).

Literature cited by the submitters: PubMed 16281286.